The following is an entry in ClinVar:

NM_001276345.2(TNNT2):c.600+3A>G

Gene: TNNT2 (troponin T2, cardiac type; minus strand). Cytogenetic location: 1q32.1.
Variant type: single nucleotide variant.
Coding change: c.600+3A>G on transcript NM_001276345.2 (MANE Select); 3 bases into the intron after coding-DNA position 600, A replaced by G.
Molecular consequence: intron variant.
Genome position (GRCh38, 1-based): chr1:201,363,293, T>C on the plus strand (A>G on the coding strand, the complement: TNNT2 is on the minus strand). VCF-style: chr1-201363293-T-C. GRCh37 (hg19) VCF-style: chr1-201332421-T-C.
Other names: c.570+3A>G (NM_001406727.1, NM_001406724.1, NM_001001431.3 and 3 more transcripts); c.555+3A>G (NM_001001432.3, NM_001406728.1); c.567+3A>G (NM_001406725.1); c.480+3A>G (NM_001276346.2); c.600+3A>G (NM_000364.4, NM_001406723.1).
Identifiers: ClinVar variation 3971636 (VCV003971636.1).
Genomic context (GRCh38, chr1:201,363,293, plus strand): 5'-GGACACCTCATTCCTCAGGGCTATACTAGGATCTCCTGGCAACCCCTGCTGCTCCCTACC[T>C]ACCTTCTGGATGTAACCCCCAAAATGCATCATGTTGGACAAAGCCTTCTTCTTCCGGGCC-3'

ClinVar aggregate classification (germline): Uncertain significance (1 of 4 stars; one submission).

Conditions:
Cardiovascular phenotype. Identifiers: MedGen CN230736.

Submission:

Ambry Genetics
Classification: Uncertain significance for Cardiovascular phenotype. Last evaluated: 2025-04-22. Review status: criteria provided, single submitter. Criteria: Ambry Variant Classification Scheme 2023. Collection method: clinical testing. Allele origin: germline.
Comment: The c.570+3A>G intronic variant results from an A to G substitution 3 nucleotides after coding exon 10 in the TNNT2 gene. This nucleotide position is not well conserved in available vertebrate species. In silico splice site analysis predicts that this alteration will not have any significant effect on splicing. Based on the available evidence, the clinical significance of this variant remains unclear.